The following is an entry in ClinVar:

ClinVar aggregate classification (germline): Pathogenic. Review status: criteria provided, multiple submitters, no conflicts (2 of 4 stars). 2 submissions from 2 submitters: Pathogenic (2). Last evaluated 2022-10-14.

Conditions:
Cone-rod dystrophy 21. Also called: Retinal dystrophy with early macular involvement. Identifiers: Orphanet 1872, MedGen C4049066, MONDO:0014669, OMIM 616502, HP:0030635.

Submissions (2):

Labcorp Genetics (formerly Invitae), Labcorp
Classification: Pathogenic. Last evaluated: 2022-10-14. Review status: criteria provided, single submitter. Criteria: Invitae Variant Classification Sherloc (09022015). Collection method: clinical testing. Allele origin: germline.
Comment: This sequence change creates a premature translational stop signal (p.Tyr27*) in the DRAM2 gene. It is expected to result in an absent or disrupted protein product. Loss-of-function variants in DRAM2 are known to be pathogenic (PMID: 25983245). This variant is not present in population databases (gnomAD no frequency). This variant has not been reported in the literature in individuals affected with DRAM2-related conditions. ClinVar contains an entry for this variant (Variation ID: 1322768). For these reasons, this variant has been classified as Pathogenic.

Revvity Omics, Revvity
Classification: Pathogenic for Cone-rod dystrophy 21. Last evaluated: 2020-03-09. Review status: criteria provided, single submitter. Criteria: ACMG Guidelines, 2015. Collection method: clinical testing. Allele origin: germline.

Literature cited by the submitters: PubMed 25983245 (cited by Labcorp Genetics (formerly Invitae), Labcorp).

NM_001349884.2(DRAM2):c.80dup (p.Tyr27Ter)

Gene: DRAM2 (DNA damage regulated autophagy modulator 2; minus strand). Cytogenetic location: 1p13.3.
Variant type: Duplication.
Coding change: c.80dup on transcript NM_001349884.2 (MANE Select); coding-DNA position 80, one base duplicated (A; older notation c.80dupA).
Protein change: p.Tyr27Ter; replaces tyrosine 27 with a stop codon.
Molecular consequence: nonsense. On other transcripts: 5 prime UTR variant (8), non-coding transcript variant (8).
Genome position (GRCh38, 1-based): chr1:111,131,475, T duplicated on the plus strand (A on the coding strand, the reverse complement: DRAM2 is on the minus strand). VCF-style (leftmost placement, unchanged base first): chr1-111131474-G-GT. GRCh37 (hg19) VCF-style: chr1-111674096-G-GT.
Other names: c.80dup, p.Tyr27Ter (NM_001349881.2, NM_001349882.2, NM_001349885.2 and 1 more transcripts); c.-79dup (NM_001349886.2, NM_001349887.2, NM_001349888.2); c.-171dup (NM_001349889.2, NM_001349890.2, NM_001349892.2 and 1 more transcripts); c.-339dup (NM_001349891.2); short protein forms Y27*.
Identifiers: ClinVar variation 1322768 (VCV001322768.9), dbSNP rs2101086076, ClinGen allele CA2573051339.